The following is an entry in ClinVar:

NM_001042545.2(LTBP4):c.379G>A (p.Val127Ile)

Gene: LTBP4 (latent transforming growth factor beta binding protein 4; plus strand). Cytogenetic location: 19q13.2.
Variant type: single nucleotide variant.
Coding change: c.379G>A on transcript NM_001042545.2 (MANE Select); coding-DNA position 379, G replaced by A.
Protein change: p.Val127Ile; replaces valine 127 with isoleucine.
Molecular consequence: missense variant.
Genome position (GRCh38, 1-based): chr19:40,605,163, G>A. VCF-style: chr19-40605163-G-A. GRCh37 (hg19) VCF-style: chr19-41111069-G-A.
Other names: c.580G>A, p.Val194Ile (NM_001042544.1); c.469G>A, p.Val157Ile (NM_003573.2); short protein forms V127I, V157I, V194I.
Identifiers: ClinVar variation 163945 (VCV000163945.25), dbSNP rs2303729, ClinGen allele CA176676.

ClinVar aggregate classification (germline): Benign/Likely benign. Review status: criteria provided, multiple submitters, no conflicts (2 of 4 stars). 10 submissions from 10 submitters: Benign (7); Likely benign (1). 2 of the submissions do not count toward it. Last evaluated 2026-02-04.

Conditions:
Cutis laxa with severe pulmonary, gastrointestinal and urinary anomalies. Also called: URBAN-RIFKIN-DAVIS SYNDROME; Cutis laxa, autosomal recessive, type IC; LTBP4-Related Cutis Laxa. Identifiers: Orphanet 221145, MedGen C2750804, MONDO:0013170, OMIM 613177. Disease mechanism: loss of function.

Allele frequency attached by ClinVar (database versions not stated): gnomAD exomes 0.45025 and 0.46149; ExAC 0.49942; TOPMed 0.50209; gnomAD 0.50748 and 0.50929; ESP Exome Variant Server 0.51969; 1000 Genomes Project 30x 0.52139; 1000 Genomes Project 0.52436.
gnomAD v4.1: 734,821 of 1,609,426 alleles (46%); highest among the groups gnomAD compares: African/African-American, 67%; 171,420 homozygotes.

Submissions (10):

Labcorp Genetics (formerly Invitae), Labcorp
Classification: Benign. Last evaluated: 2026-02-04. Review status: criteria provided, single submitter. Criteria: Invitae Variant Classification Sherloc (09022015). Collection method: clinical testing. Allele origin: germline.

Blueprint Genetics
Classification: Likely benign. Last evaluated: 2024-11-28. Review status: criteria provided, single submitter. Criteria: ACMG Guidelines, 2015. Collection method: clinical testing. Allele origin: germline.

Genome-Nilou Lab
Classification: Benign for Cutis laxa with severe pulmonary, gastrointestinal and urinary anomalies. Last evaluated: 2021-09-05. Review status: criteria provided, single submitter. Criteria: ACMG Guidelines, 2015. Collection method: clinical testing. Allele origin: germline. Affected: no.

Illumina Laboratory Services, Illumina
Classification: Benign for Cutis laxa with severe pulmonary, gastrointestinal and urinary anomalies. Last evaluated: 2018-01-12. Review status: criteria provided, single submitter. Criteria: ICSL Variant Classification Criteria 13 December 2019. Collection method: clinical testing. Allele origin: germline.
Comment: This variant was observed in the ICSL laboratory as part of a predisposition screen in an ostensibly healthy population. It had not been previously curated by ICSL or reported in the Human Gene Mutation Database (HGMD: prior to June 1st, 2018), and was therefore a candidate for classification through an automated scoring system. Utilizing variant allele frequency, disease prevalence and penetrance estimates, and inheritance mode, an automated score was calculated to assess if this variant is too frequent to cause the disease. Based on the score and internal cut-off values, a variant classified as benign is not then subjected to further curation. The score for this variant resulted in a classification of benign for this disease.

GeneDx
Classification: Benign. Last evaluated: 2016-09-29. Review status: criteria provided, single submitter. Criteria: GeneDx Variant Classification (06012015). Collection method: clinical testing. Allele origin: germline. Affected: yes.
Comment: This variant is considered likely benign or benign based on one or more of the following criteria: it is a conservative change, it occurs at a poorly conserved position in the protein, it is predicted to be benign by multiple in silico algorithms, and/or has population frequency not consistent with disease.

Eurofins Ntd Llc (ga)
Classification: Benign. Last evaluated: 2015-07-22. Review status: criteria provided, single submitter. Criteria: EGL Classification Definitions 2015. Collection method: clinical testing. Allele origin: germline. Observed: 1 variant allele, 1 homozygote.

Laboratory for Molecular Medicine, Mass General Brigham Personalized Medicine
Classification: Benign. Last evaluated: 2013-02-21. Review status: criteria provided, single submitter. Criteria: LMM Criteria. Collection method: clinical testing. Allele origin: germline. Observed: 57 variant alleles.
Comment: Val194Ile in exon 5 of LTBP4: This variant is not expected to have clinical sign ificance because it has been identified in 45.4% (3739/8234) of European America n chromosomes from a broad population by the NHLBI Exome Sequencing Project (dbSNP rs2303729).

Breakthrough Genomics
Classification: Benign. Review status: criteria provided, single submitter. Criteria: ACMG Guidelines, 2015. Collection method: not provided. Allele origin: germline. Inheritance: Autosomal recessive inheritance. Affected: yes.

Genome Diagnostics Laboratory, Amsterdam University Medical Center
Classification: Benign for Cutis laxa with severe pulmonary, gastrointestinal and urinary anomalies. Last evaluated: 2014-02-04. Review status: no assertion criteria provided. Criteria: ACGS Guidelines, 2013. Collection method: clinical testing. Allele origin: germline. Affected: yes. Study: VKGL Data-share Consensus. Not counted in ClinVar's aggregate classification.

Diagnostic Laboratory, Department of Genetics, University Medical Center Groningen
Classification: Benign for Cutis laxa with severe pulmonary, gastrointestinal and urinary anomalies. Review status: no assertion criteria provided. Collection method: clinical testing. Allele origin: germline. Affected: yes. Study: VKGL Data-share Consensus. Not counted in ClinVar's aggregate classification.